The following is an entry in ClinVar:

NM_014049.5(ACAD9):c.33G>A (p.Thr11=)

Gene: ACAD9 (acyl-CoA dehydrogenase family member 9; plus strand). Cytogenetic location: 3q21.3.
Variant type: single nucleotide variant.
Coding change: c.33G>A on transcript NM_014049.5 (MANE Select); coding-DNA position 33, G replaced by A.
Protein change: p.Thr11=; no amino-acid change (threonine 11 retained).
Molecular consequence: synonymous variant. On other transcripts: 5 prime UTR variant (1), non-coding transcript variant (1).
Genome position (GRCh38, 1-based): chr3:128,879,724, G>A. VCF-style: chr3-128879724-G-A. GRCh37 (hg19) VCF-style: chr3-128598567-G-A.
Other names: c.-243G>A (NM_001410805.1).
Identifiers: ClinVar variation 4872576 (VCV004872576.2).
Genomic context (GRCh38, chr3:128,879,724, plus strand): 5'-AGGCTGAGGCTGGGGAACATCGGGCAGCATGAGCGGCTGCGGGCTCTTCCTGCGCACCAC[G>A]GCTGCGGCTCGTGCCTGCCGGGGTCTGGTGGTCTCTACCGCGAACCGGCGGCTACTGCGC-3'
Protein context (NP_054768.2, residues 1-21): MSGCGLFLRT[Thr11=]AAARACRGLV

ClinVar aggregate classification (germline): Likely benign (1 of 4 stars; one submission).

gnomAD v4.1: 5 of 1,612,924 alleles (0.00031%); highest among the groups gnomAD compares: South Asian, 0.0011%; no homozygotes.

Submission:

CeGaT Center for Human Genetics Tuebingen
Classification: Likely benign. Last evaluated: 2026-06-01. Review status: criteria provided, single submitter. Criteria: CeGaT Center For Human Genetics Tuebingen Variant Classification Criteria Version 2. Collection method: clinical testing. Allele origin: germline. Affected: yes. Observed: 1 variant allele.
Comment: ACAD9: BP4, BP7